The following is an entry in ClinVar:

NM_001243279.3(ACSF3):c.1711A>G (p.Arg571Gly)

Gene: ACSF3 (acyl-CoA synthetase family member 3; plus strand). Cytogenetic location: 16q24.3.
Variant type: single nucleotide variant.
Coding change: c.1711A>G on transcript NM_001243279.3 (MANE Select); coding-DNA position 1711, A replaced by G.
Protein change: p.Arg571Gly; replaces arginine 571 with glycine.
Molecular consequence: missense variant. On other transcripts: non-coding transcript variant (4).
Genome position (GRCh38, 1-based): chr16:89,154,187, A>G. VCF-style: chr16-89154187-A-G. GRCh37 (hg19) VCF-style: chr16-89220595-A-G.
Other names: c.1711A>G, p.Arg571Gly (NM_001127214.4, NM_174917.5); c.916A>G, p.Arg306Gly (NM_001284316.2); short protein forms R571G, R306G.
Identifiers: ClinVar variation 1512367 (VCV001512367.5), dbSNP rs1448355025, ClinGen allele CA397150884.

ClinVar aggregate classification (germline): Uncertain significance (1 of 4 stars; one submission).

Conditions:
Combined malonic and methylmalonic acidemia. Identifiers: Orphanet 289504, MedGen C3280314, MONDO:0013661, OMIM 614265.

Submission:

Labcorp Genetics (formerly Invitae), Labcorp
Classification: Uncertain significance for Combined malonic and methylmalonic acidemia. Last evaluated: 2021-08-31. Review status: criteria provided, single submitter. Criteria: Invitae Variant Classification Sherloc (09022015). Collection method: clinical testing. Allele origin: germline.
Comment: This sequence change replaces arginine with glycine at codon 571 of the ACSF3 protein (p.Arg571Gly). The arginine residue is weakly conserved and there is a moderate physicochemical difference between arginine and glycine. This variant is not present in population databases (ExAC no frequency). This variant has not been reported in the literature in individuals affected with ACSF3-related conditions. Algorithms developed to predict the effect of missense changes on protein structure and function (SIFT, PolyPhen-2, Align-GVGD) all suggest that this variant is likely to be tolerated. In summary, the available evidence is currently insufficient to determine the role of this variant in disease. Therefore, it has been classified as a Variant of Uncertain Significance.